The following is an entry in ClinVar:

ClinVar aggregate classification (germline): Uncertain significance. Review status: criteria provided, multiple submitters, no conflicts (2 of 4 stars). 2 submissions from 2 submitters: Uncertain significance (2). Last evaluated 2022-04-13.

Conditions:
Inborn genetic diseases. Identifiers: MedGen C0950123, MeSH D030342.

gnomAD v4.1: 25 of 1,594,516 alleles (0.0016%); highest among the groups gnomAD compares: African/African-American, 0.032%; no homozygotes.

Submissions (2):

Ambry Genetics
Classification: Uncertain significance for Inborn genetic diseases. Last evaluated: 2022-04-13. Review status: criteria provided, single submitter. Criteria: Ambry Variant Classification Scheme 2023. Collection method: clinical testing. Allele origin: germline.

Labcorp Genetics (formerly Invitae), Labcorp
Classification: Uncertain significance. Last evaluated: 2022-02-10. Review status: criteria provided, single submitter. Criteria: Invitae Variant Classification Sherloc (09022015). Collection method: clinical testing. Allele origin: germline.
Comment: This sequence change replaces serine, which is neutral and polar, with tryptophan, which is neutral and slightly polar, at codon 35 of the PYROXD1 protein (p.Ser35Trp). This variant is present in population databases (rs151083272, gnomAD 0.04%). This variant has not been reported in the literature in individuals affected with PYROXD1-related conditions. Algorithms developed to predict the effect of missense changes on protein structure and function are either unavailable or do not agree on the potential impact of this missense change (SIFT: "Deleterious"; PolyPhen-2: "Probably Damaging"; Align-GVGD: "Class C0"). In summary, the available evidence is currently insufficient to determine the role of this variant in disease. Therefore, it has been classified as a Variant of Uncertain Significance.

NM_024854.5(PYROXD1):c.104C>G (p.Ser35Trp)

Gene: PYROXD1 (pyridine nucleotide-disulphide oxidoreductase domain 1; plus strand). Cytogenetic location: 12p12.1.
Variant type: single nucleotide variant.
Coding change: c.104C>G on transcript NM_024854.5 (MANE Select); coding-DNA position 104, C replaced by G.
Protein change: p.Ser35Trp; replaces serine 35 with tryptophan.
Molecular consequence: missense variant. On other transcripts: 5 prime UTR variant (2).
Genome position (GRCh38, 1-based): chr12:21,440,387, C>G. VCF-style: chr12-21440387-C-G. GRCh37 (hg19) VCF-style: chr12-21593321-C-G.
Other names: c.-110C>G (NM_001350912.2); c.-600C>G (NM_001350913.2); c.104C>G (NM_024854.3); short protein forms S35W.
Identifiers: ClinVar variation 2161769 (VCV002161769.2), dbSNP rs151083272, ClinGen allele CA6478099.